The following is an entry in ClinVar:

ClinVar aggregate classification (germline): Pathogenic (1 of 4 stars; one submission).

Submission:

GeneDx
Classification: Pathogenic. Last evaluated: 2024-06-05. Review status: criteria provided, single submitter. Criteria: GeneDx Variant Classification Process June 2021. Collection method: clinical testing. Allele origin: germline. Affected: yes.
Comment: Occurs in the triple helical domain and replaces a glycine in a canonical Gly-X-Y repeat; missense substitution of a canonical glycine residue is expected to disrupt normal protein folding and function, and this is an established mechanism of disease (PMID: 34007986); Not observed at significant frequency in large population cohorts (gnomAD); In silico analysis supports that this missense variant has a deleterious effect on protein structure/function; Observed in an individual with a diagnosis of spondyloepimetaphyseal dysplasia Strudwick type in published literature (PMID: 26626311); This variant is associated with the following publications: (PMID: 34007986, 26626311)

NM_001844.5(COL2A1):c.1519G>A (p.Gly507Arg)

Gene: COL2A1 (collagen type II alpha 1 chain; minus strand). Cytogenetic location: 12q13.11.
Variant type: single nucleotide variant.
Coding change: c.1519G>A on transcript NM_001844.5 (MANE Select); coding-DNA position 1519, G replaced by A.
Protein change: p.Gly507Arg; replaces glycine 507 with arginine.
Molecular consequence: missense variant.
Genome position (GRCh38, 1-based): chr12:47,986,344, C>T on the plus strand (G>A on the coding strand, the complement: COL2A1 is on the minus strand). VCF-style: chr12-47986344-C-T. GRCh37 (hg19) VCF-style: chr12-48380127-C-T.
Other names: c.1312G>A, p.Gly438Arg (NM_033150.3); short protein forms G438R, G507R.
Identifiers: ClinVar variation 3384344 (VCV003384344.1).